The following is an entry in ClinVar:

ClinVar aggregate classification (germline): Uncertain significance. Review status: criteria provided, multiple submitters, no conflicts (2 of 4 stars). 2 submissions from 2 submitters: Uncertain significance (2). Last evaluated 2025-08-04.

Submissions (2):

Labcorp Genetics (formerly Invitae), Labcorp
Classification: Uncertain significance. Last evaluated: 2025-08-04. Review status: criteria provided, single submitter. Criteria: Invitae Variant Classification Sherloc (09022015). Collection method: clinical testing. Allele origin: germline.
Comment: This sequence change replaces glutamic acid, which is acidic and polar, with aspartic acid, which is acidic and polar, at codon 1189 of the TOP2B protein (p.Glu1189Asp). This variant is not present in population databases (gnomAD no frequency). This variant has not been reported in the literature in individuals affected with TOP2B-related conditions. ClinVar contains an entry for this variant (Variation ID: 1511430). An algorithm developed to predict the effect of missense changes on protein structure and function (PolyPhen-2) suggests that this variant is likely to be tolerated. In summary, the available evidence is currently insufficient to determine the role of this variant in disease. Therefore, it has been classified as a Variant of Uncertain Significance.

Ambry Genetics
Classification: Uncertain significance. Last evaluated: 2025-01-08. Review status: criteria provided, single submitter. Criteria: Ambry Variant Classification Scheme 2023. Collection method: clinical testing. Allele origin: germline.

NM_001330700.2(TOP2B):c.3582A>C (p.Glu1194Asp)

Gene: TOP2B (DNA topoisomerase II beta; minus strand). Cytogenetic location: 3p24.2.
Variant type: single nucleotide variant.
Coding change: c.3582A>C on transcript NM_001330700.2 (MANE Select); coding-DNA position 3582, A replaced by C.
Protein change: p.Glu1194Asp; replaces glutamic acid 1194 with aspartic acid.
Molecular consequence: missense variant.
Genome position (GRCh38, 1-based): chr3:25,615,214, T>G on the plus strand (A>C on the coding strand, the complement: TOP2B is on the minus strand). VCF-style: chr3-25615214-T-G. GRCh37 (hg19) VCF-style: chr3-25656705-T-G.
Other names: c.3567A>C (NM_001068.2); c.3567A>C, p.Glu1189Asp (NM_001068.3); short protein forms E1189D, E1194D.
Identifiers: ClinVar variation 1511430 (VCV001511430.9), dbSNP rs1026567968, ClinGen allele CA71633807.